The following is an entry in ClinVar:

ClinVar aggregate classification (germline): Uncertain significance. Review status: criteria provided, multiple submitters, no conflicts (2 of 4 stars). 3 submissions from 3 submitters: Uncertain significance (3). Last evaluated 2024-08-11.

Conditions:
Hereditary nonpolyposis colorectal neoplasms. Identifiers: MedGen C0009405, MeSH D003123.
Hereditary cancer-predisposing syndrome. Also called: Neoplastic Syndromes, Hereditary; Hereditary Cancer Syndrome; Tumor predisposition; Hereditary neoplastic syndrome. Identifiers: Orphanet 140162, MedGen C0027672, MeSH D009386, MONDO:0015356.

Submissions (3):

Labcorp Genetics (formerly Invitae), Labcorp
Classification: Uncertain significance for Hereditary nonpolyposis colorectal neoplasms. Last evaluated: 2024-08-11. Review status: criteria provided, single submitter. Criteria: Invitae Variant Classification Sherloc (09022015). Collection method: clinical testing. Allele origin: germline.
Comment: This sequence change replaces histidine, which is basic and polar, with arginine, which is basic and polar, at codon 839 of the PMS2 protein (p.His839Arg). The frequency data for this variant in the population databases (gnomAD) is considered unreliable due to the presence of homologous sequence, such as pseudogenes or paralogs, in the genome. This variant has not been reported in the literature in individuals affected with PMS2-related conditions. ClinVar contains an entry for this variant (Variation ID: 572606). Advanced modeling of protein sequence and biophysical properties (such as structural, functional, and spatial information, amino acid conservation, physicochemical variation, residue mobility, and thermodynamic stability) performed at Invitae indicates that this missense variant is expected to disrupt PMS2 protein function with a positive predictive value of 80%. In summary, the available evidence is currently insufficient to determine the role of this variant in disease. Therefore, it has been classified as a Variant of Uncertain Significance.

Ambry Genetics
Classification: Uncertain significance for Hereditary cancer-predisposing syndrome. Last evaluated: 2023-11-14. Review status: criteria provided, single submitter. Criteria: Ambry Variant Classification Scheme 2023. Collection method: clinical testing. Allele origin: germline.
Comment: The p.H839R variant (also known as c.2516A>G), located in coding exon 15 of the PMS2 gene, results from an A to G substitution at nucleotide position 2516. The histidine at codon 839 is replaced by arginine, an amino acid with highly similar properties. This amino acid position is well conserved in available vertebrate species. In addition, the in silico prediction for this alteration is inconclusive. Since supporting evidence is limited at this time, the clinical significance of this alteration remains unclear.

Revvity Omics, Revvity
Classification: Uncertain significance. Last evaluated: 2022-05-02. Review status: criteria provided, single submitter. Criteria: ACMG Guidelines, 2015. Collection method: clinical testing. Allele origin: germline.

NM_000535.7(PMS2):c.2516A>G (p.His839Arg)

Gene: PMS2 (PMS1 homolog 2, mismatch repair system component; minus strand). Cytogenetic location: 7p22.1.
Variant type: single nucleotide variant.
Coding change: c.2516A>G on transcript NM_000535.7 (MANE Select); coding-DNA position 2516, A replaced by G.
Protein change: p.His839Arg; replaces histidine 839 with arginine.
Molecular consequence: missense variant. On other transcripts: non-coding transcript variant (1).
Genome position (GRCh38, 1-based): chr7:5,973,472, T>C on the plus strand (A>G on the coding strand, the complement: PMS2 is on the minus strand). VCF-style: chr7-5973472-T-C. GRCh37 (hg19) VCF-style: chr7-6013103-T-C.
Other names: c.2144A>G, p.His715Arg (NM_001322009.2); c.1955A>G, p.His652Arg (NM_001322010.2); c.1583A>G, p.His528Arg (NM_001322011.2, NM_001322012.2); c.1943A>G, p.His648Arg (NM_001322013.2); c.2549A>G, p.His850Arg (NM_001322014.2); c.2207A>G, p.His736Arg (NM_001322015.2); c.2111A>G, p.His704Arg (NM_001322003.2, NM_001322004.2, NM_001322005.2); c.2360A>G, p.His787Arg (NM_001322006.2); and 1 more; short protein forms H839R, H648R, H652R, H736R, H787R, H850R, H528R, H704R.
Identifiers: ClinVar variation 572606 (VCV000572606.13), dbSNP rs1562593924, ClinGen allele CA366734889.